The following is an entry in ClinVar:

NM_001408.3(CELSR2):c.4865G>A (p.Ser1622Asn)

Gene: CELSR2 (cadherin EGF LAG seven-pass G-type receptor 2; plus strand). Cytogenetic location: 1p13.3.
Variant type: single nucleotide variant.
Coding change: c.4865G>A on transcript NM_001408.3 (MANE Select); coding-DNA position 4865, G replaced by A.
Protein change: p.Ser1622Asn; replaces serine 1622 with asparagine.
Molecular consequence: missense variant.
Genome position (GRCh38, 1-based): chr1:109,263,641, G>A. VCF-style: chr1-109263641-G-A. GRCh37 (hg19) VCF-style: chr1-109806263-G-A.
Other names: short protein forms S1622N.
Identifiers: ClinVar variation 1973672 (VCV001973672.5), dbSNP rs1656093146, ClinGen allele CA341500882.

ClinVar aggregate classification (germline): Uncertain significance (1 of 4 stars; one submission).

Allele frequency attached by ClinVar (database versions not stated): TOPMed 0.00001.

Submission:

Labcorp Genetics (formerly Invitae), Labcorp
Classification: Uncertain significance. Last evaluated: 2022-08-20. Review status: criteria provided, single submitter. Criteria: Invitae Variant Classification Sherloc (09022015). Collection method: clinical testing. Allele origin: germline.
Comment: This sequence change replaces serine, which is neutral and polar, with asparagine, which is neutral and polar, at codon 1622 of the CELSR2 protein (p.Ser1622Asn). This variant is not present in population databases (gnomAD no frequency). This variant has not been reported in the literature in individuals affected with CELSR2-related conditions. Algorithms developed to predict the effect of missense changes on protein structure and function output the following: SIFT: "Deleterious"; PolyPhen-2: "Benign"; Align-GVGD: "Class C45". The asparagine amino acid residue is found in multiple mammalian species, which suggests that this missense change does not adversely affect protein function. In summary, the available evidence is currently insufficient to determine the role of this variant in disease. Therefore, it has been classified as a Variant of Uncertain Significance.